The following is an entry in ClinVar:

ClinVar aggregate classification (germline): Likely benign. Review status: criteria provided, multiple submitters, no conflicts (2 of 4 stars). 3 submissions from 3 submitters: Likely benign (2). 1 of the submissions does not count toward it. Last evaluated 2019-02-27.

Conditions:
DNHD1-related disorder. Also called: DNHD1-related condition.

Allele frequency attached by ClinVar (database versions not stated): 1000 Genomes Project 0.00419; 1000 Genomes Project 30x 0.00422; gnomAD 0.00564 and 0.00584; TOPMed 0.00584; gnomAD exomes 0.00617 and 0.00653; ESP Exome Variant Server 0.00635; ExAC 0.01300.
gnomAD v4.1: 9,781 of 1,530,390 alleles (0.64%); highest among the groups gnomAD compares: South Asian, 2%; 61 homozygotes.

Submissions (3):

GeneDx
Classification: Likely benign. Last evaluated: 2019-02-27. Review status: criteria provided, single submitter. Criteria: GeneDx Variant Classification Process June 2021. Collection method: clinical testing. Allele origin: germline. Affected: yes.
Comment: See Variant Classification Assertion Criteria.

Breakthrough Genomics
Classification: Likely benign. Review status: criteria provided, single submitter. Criteria: ACMG Guidelines, 2015. Collection method: not provided. Allele origin: germline. Inheritance: Autosomal recessive inheritance. Affected: yes.

PreventionGenetics, part of Exact Sciences
Classification: Benign for DNHD1-related condition. Last evaluated: 2019-05-28. Review status: no assertion criteria provided. Collection method: clinical testing. Allele origin: germline. Not counted in ClinVar's aggregate classification.
Comment: This variant is classified as benign based on ACMG/AMP sequence variant interpretation guidelines (Richards et al. 2015 PMID: 25741868, with internal and published modifications).

NM_144666.3(DNHD1):c.6697C>T (p.Arg2233Cys)

Gene: DNHD1 (dynein heavy chain domain 1; plus strand). Cytogenetic location: 11p15.4.
Variant type: single nucleotide variant.
Coding change: c.6697C>T on transcript NM_144666.3 (MANE Select); coding-DNA position 6697, C replaced by T.
Protein change: p.Arg2233Cys; replaces arginine 2233 with cysteine.
Molecular consequence: missense variant.
Genome position (GRCh38, 1-based): chr11:6,547,636, C>T. VCF-style: chr11-6547636-C-T. GRCh37 (hg19) VCF-style: chr11-6568866-C-T.
Other names: short protein forms R2233C.
Identifiers: ClinVar variation 1678807 (VCV001678807.5), dbSNP rs117939157, ClinGen allele CA5856160.